The following is an entry in ClinVar:

NM_006846.4(SPINK5):c.2124T>C (p.Ala708=)

Gene: SPINK5 (serine peptidase inhibitor Kazal type 5; plus strand). Cytogenetic location: 5q32.
Variant type: single nucleotide variant.
Coding change: c.2124T>C on transcript NM_006846.4 (MANE Select); coding-DNA position 2124, T replaced by C.
Protein change: p.Ala708=; no amino-acid change (alanine 708 retained).
Molecular consequence: synonymous variant.
Genome position (GRCh38, 1-based): chr5:148,118,448, T>C. VCF-style: chr5-148118448-T-C. GRCh37 (hg19) VCF-style: chr5-147498011-T-C.
Other names: c.2124T>C, p.Ala708= (NM_001127698.2, NM_001127699.2).
Identifiers: ClinVar variation 389979 (VCV000389979.42), dbSNP rs200884153, ClinGen allele CA3495874.
Genomic context (GRCh38, chr5:148,118,448, plus strand): 5'-TACAGTAGACTAAGTAATCCAGGGGCTCTTCGTTCTTCTCTGTTTTCAGGACGAATGTGC[T>C]GAGTATCGGGAACAAATGAAAAATGGAAGACTCAGCTGTACTCGGGAGAGTGATCCTGTA-3'
Protein context (NP_006837.2, residues 698-718): GGGGNTQDEC[Ala708=]EYREQMKNGR

ClinVar aggregate classification (germline): Conflicting classifications of pathogenicity. Review status: criteria provided, conflicting classifications (1 of 4 stars). 6 submissions from 6 submitters: Uncertain significance (1); Likely benign (5). Last evaluated 2026-05-21.

Conditions:
SPINK5-related disorder. Also called: SPINK5-related condition.
Ichthyosis linearis circumflexa. Identifiers: MedGen C0265962, MONDO:0043106, HP:0025810.
Netherton syndrome (NETH). Also called: ERYTHRODERMA, ICHTHYOSIFORM, WITH HYPOTRICHOSIS AND HYPER-IgE; COMEL-NETHERTON SYNDROME; NETHERTON DISEASE. Identifiers: Orphanet 634, MedGen C5574950, MONDO:0009735, OMIM 256500.

Allele frequency attached by ClinVar (database versions not stated): ESP Exome Variant Server 0.00042; gnomAD exomes 0.00050 and 0.00059; TOPMed 0.00055; ExAC 0.00056; gnomAD 0.00057 and 0.00058.
gnomAD v4.1: 935 of 1,614,040 alleles (0.058%); highest among the groups gnomAD compares: Non-Finnish European, 0.073%; no homozygotes.

Submissions (6):

PreventionGenetics, part of Exact Sciences
Classification: Likely benign for SPINK5-related condition. Last evaluated: 2026-05-21. Review status: criteria provided, single submitter. Criteria: ACMG Guidelines, 2015. Collection method: clinical testing. Allele origin: germline.
Comment: This variant is classified as likely benign based on ACMG/AMP sequence variant interpretation guidelines (Richards et al. 2015 PMID: 25741868, with internal and published modifications).

CeGaT Center for Human Genetics Tuebingen
Classification: Likely benign. Last evaluated: 2026-04-01. Review status: criteria provided, single submitter. Criteria: CeGaT Center For Human Genetics Tuebingen Variant Classification Criteria Version 2. Collection method: clinical testing. Allele origin: germline. Affected: yes. Observed: 2 variant alleles.
Comment: SPINK5: BP4, BP7

Labcorp Genetics (formerly Invitae), Labcorp
Classification: Likely benign for Ichthyosis linearis circumflexa. Last evaluated: 2026-01-25. Review status: criteria provided, single submitter. Criteria: Invitae Variant Classification Sherloc (09022015). Collection method: clinical testing. Allele origin: germline.

Blueprint Genetics
Classification: Likely benign. Last evaluated: 2024-11-11. Review status: criteria provided, single submitter. Criteria: ACMG Guidelines, 2015. Collection method: clinical testing. Allele origin: germline.

Illumina Laboratory Services, Illumina
Classification: Uncertain significance for Netherton syndrome. Last evaluated: 2018-01-13. Review status: criteria provided, single submitter. Criteria: ICSL Variant Classification Criteria 13 December 2019. Collection method: clinical testing. Allele origin: germline.

GeneDx
Classification: Likely benign. Last evaluated: 2017-06-09. Review status: criteria provided, single submitter. Criteria: GeneDx Variant Classification (06012015). Collection method: clinical testing. Allele origin: germline. Affected: yes.
Comment: This variant is considered likely benign or benign based on one or more of the following criteria: it is a conservative change, it occurs at a poorly conserved position in the protein, it is predicted to be benign by multiple in silico algorithms, and/or has population frequency not consistent with disease.